The following is an entry in ClinVar:

NM_003072.5(SMARCA4):c.863C>T (p.Pro288Leu)

Gene: SMARCA4 (SWI/SNF related BAF chromatin remodeling complex subunit ATPase 4; plus strand). Cytogenetic location: 19p13.2.
Variant type: single nucleotide variant.
Coding change: c.863C>T on transcript NM_003072.5 (MANE Select); coding-DNA position 863, C replaced by T.
Protein change: p.Pro288Leu; replaces proline 288 with leucine.
Molecular consequence: missense variant. On other transcripts: non-coding transcript variant (1).
Genome position (GRCh38, 1-based): chr19:10,987,669, C>T. VCF-style: chr19-10987669-C-T. GRCh37 (hg19) VCF-style: chr19-11098345-C-T.
Other names: c.863C>T, p.Pro288Leu (NM_001128844.3, NM_001128845.2, NM_001128846.2 and 4 more transcripts); short protein forms P288L.
Identifiers: ClinVar variation 822621 (VCV000822621.12), dbSNP rs1026742588, ClinGen allele CA305287386.

ClinVar aggregate classification (germline): Uncertain significance. Review status: criteria provided, multiple submitters, no conflicts (2 of 4 stars). 4 submissions from 4 submitters: Uncertain significance (4). Last evaluated 2024-07-08.

Conditions:
Hereditary cancer-predisposing syndrome. Also called: Tumor predisposition; Hereditary Cancer Syndrome; Neoplastic Syndromes, Hereditary; Hereditary neoplastic syndrome. Identifiers: Orphanet 140162, MedGen C0027672, MeSH D009386, MONDO:0015356.
Rhabdoid tumor predisposition syndrome 2 (RTPS2). Identifiers: Orphanet 231108, Orphanet 69077, MedGen C2750074, MONDO:0013224, OMIM 613325.

Allele frequency attached by ClinVar (database versions not stated): gnomAD exomes below 0.00001; TOPMed below 0.00001.
gnomAD v4.1: 1 of 1,613,142 alleles (0.000062%); highest among the groups gnomAD compares: Non-Finnish European, 0.000085%; no homozygotes.

Submissions (4):

Women's Health and Genetics/Laboratory Corporation of America, LabCorp
Classification: Uncertain significance. Last evaluated: 2024-07-08. Review status: criteria provided, single submitter. Criteria: LabCorp Variant Classification Summary - May 2015. Collection method: clinical testing. Allele origin: germline.
Comment: Variant summary: SMARCA4 c.863C>T (p.Pro288Leu) results in a non-conservative amino acid change in the encoded protein sequence. Three of five in-silico tools predict a damaging effect of the variant on protein function. The variant was absent in 241654 control chromosomes. The available data on variant occurrences in the general population are insufficient to allow any conclusion about variant significance. To our knowledge, no occurrence of c.863C>T in individuals affected with Coffin-Siris Syndrome and no experimental evidence demonstrating its impact on protein function have been reported. ClinVar contains an entry for this variant (Variation ID: 822621). Based on the evidence outlined above, the variant was classified as uncertain significance.

Ambry Genetics
Classification: Uncertain significance for Hereditary cancer-predisposing syndrome. Last evaluated: 2024-06-12. Review status: criteria provided, single submitter. Criteria: Ambry Variant Classification Scheme 2023. Collection method: clinical testing. Allele origin: germline.
Comment: The p.P288L variant (also known as c.863C>T), located in coding exon 5 of the SMARCA4 gene, results from a C to T substitution at nucleotide position 863. The proline at codon 288 is replaced by leucine, an amino acid with similar properties. Missense and in-frame variants in SMARCA4 are known to cause neurodevelopmental disorders; however, such associations with rhabdoid tumor predisposition syndrome including small cell carcinoma of the ovary-hypercalcemic type (SCCOHT) are exceedingly rare (Kosho T et al. Am J Med Genet C Semin Med Genet. 2014 Sep;166C(3):262-75; Jelinic P et al. Nat Genet. 2014 May;46(5):424-6). This amino acid position is well conserved in available vertebrate species. In addition, the in silico prediction for this alteration is inconclusive. Based on the supporting evidence, the association of this alteration with Coffin-Siris syndrome is unknown; however, the association of this alteration with rhabdoid tumor predisposition syndrome is unlikely.

Labcorp Genetics (formerly Invitae), Labcorp
Classification: Uncertain significance for Rhabdoid tumor predisposition syndrome 2. Last evaluated: 2024-01-31. Review status: criteria provided, single submitter. Criteria: Invitae Variant Classification Sherloc (09022015). Collection method: clinical testing. Allele origin: germline.
Comment: This sequence change replaces proline, which is neutral and non-polar, with leucine, which is neutral and non-polar, at codon 288 of the SMARCA4 protein (p.Pro288Leu). This variant is not present in population databases (gnomAD no frequency). This variant has not been reported in the literature in individuals affected with SMARCA4-related conditions. ClinVar contains an entry for this variant (Variation ID: 822621). Advanced modeling of protein sequence and biophysical properties (such as structural, functional, and spatial information, amino acid conservation, physicochemical variation, residue mobility, and thermodynamic stability) has been performed at Invitae for this missense variant, however the output from this modeling did not meet the statistical confidence thresholds required to predict the impact of this variant on SMARCA4 protein function. In summary, the available evidence is currently insufficient to determine the role of this variant in disease. Therefore, it has been classified as a Variant of Uncertain Significance.

Baylor Genetics
Classification: Uncertain significance for Rhabdoid tumor predisposition syndrome 2. Last evaluated: 2023-08-03. Review status: criteria provided, single submitter. Criteria: ACMG Guidelines, 2015. Collection method: clinical testing. Allele origin: unknown.